The following is an entry in ClinVar:

NM_033056.4(PCDH15):c.4368-3_4373dup

Gene: PCDH15 (protocadherin related 15; minus strand). Cytogenetic location: 10q21.1.
Variant type: Duplication.
Coding change: c.4368-3_4373dup on transcript NM_033056.4 (MANE Plus Clinical); 3 bases into the intron before coding-DNA position 4368 through coding-DNA position 4373, 9 bases duplicated (AAGTCTTTT; older notation c.4368-3_4373dupAAGTCTTTT).
Molecular consequence: splice acceptor variant. On other transcripts: intron variant (8).
Genome position (GRCh38, 1-based): chr10:53,823,353-53,823,361, AAAAGACTT duplicated on the plus strand (AAGTCTTTT on the coding strand, the reverse complement: PCDH15 is on the minus strand). VCF-style (leftmost placement, unchanged base first): chr10-53823352-G-GAAAAGACTT. GRCh37 (hg19) VCF-style: chr10-55583112-G-GAAAAGACTT.
Other names: c.4367+4032_4367+4040dup (NM_001354420.2, NM_001354429.2); c.4368-3131_4368-3123dup (NM_001384140.1); c.4373+1775_4373+1783dup (NM_001142772.2, NM_001142770.3); c.4388+1775_4388+1783dup (NM_001142771.2); c.4388+4032_4388+4040dup (NM_001354411.2); c.4409+1775_4409+1783dup (NM_001142769.3); c.4302-3_4307dup (NM_001354404.2); c.4299-3_4304dup (NM_001142773.2); and 6 more.
Identifiers: ClinVar variation 1998429 (VCV001998429.1), dbSNP rs753557830, ClinGen allele CA666433494.
Genomic context (GRCh38, chr10:53,823,352, plus strand): 5'-ATGTTTCCTGTCTTCTGAGACTGAGTTATTTCCCCTGCTTTGTTGAAAATGGTAGAGAAG[G>GAAAAGACTT]AAAAGACTTGAAAGAAAAGAAGATAATGAAATGTAAGGAAACAAGTTGTGACACAGCTTT-3'

ClinVar aggregate classification (germline): Uncertain significance (1 of 4 stars; one submission).

Allele frequency attached by ClinVar (database versions not stated): gnomAD 0.00001; TOPMed 0.00001.

Submission:

Labcorp Genetics (formerly Invitae), Labcorp
Classification: Uncertain significance. Last evaluated: 2022-05-25. Review status: criteria provided, single submitter. Criteria: Invitae Variant Classification Sherloc (09022015). Collection method: clinical testing. Allele origin: germline.
Comment: This variant, c.4368-3_4373dup, results in the insertion of 3 amino acid(s) of the PCDH15 protein (p.Leu1457_Phe1458insLeuSerLeu), but otherwise preserves the integrity of the reading frame. This variant is not present in population databases (gnomAD no frequency). This variant has not been reported in the literature in individuals affected with PCDH15-related conditions. Algorithms developed to predict the effect of sequence changes on RNA splicing suggest that this variant may disrupt the consensus splice site. In summary, the available evidence is currently insufficient to determine the role of this variant in disease. Therefore, it has been classified as a Variant of Uncertain Significance.